The following is an entry in ClinVar:

NM_007055.4(POLR3A):c.2788G>A (p.Ala930Thr)

Gene: POLR3A (RNA polymerase III subunit A; minus strand). Cytogenetic location: 10q22.3.
Variant type: single nucleotide variant.
Coding change: c.2788G>A on transcript NM_007055.4 (MANE Select); coding-DNA position 2788, G replaced by A.
Protein change: p.Ala930Thr; replaces alanine 930 with threonine.
Molecular consequence: missense variant.
Genome position (GRCh38, 1-based): chr10:77,991,167, C>T on the plus strand (G>A on the coding strand, the complement: POLR3A is on the minus strand). VCF-style: chr10-77991167-C-T. GRCh37 (hg19) VCF-style: chr10-79750925-C-T.
Other names: short protein forms A930T.
Identifiers: ClinVar variation 3308820 (VCV003308820.2).
Genomic context (GRCh38, chr10:77,991,167, plus strand): 5'-CTGTGGTCAGGATCAGCTCGTTTTTGCTGAGAGCAGGCTCACTGGGACACGGGAAGACTG[C>T]CTTGAGTATTAAAAGAAAATTGCATTATGTGTGGGTGCCACAGAGAGCAGGCGGTAGTAG-3'
Protein context (NP_008986.2, residues 920-940): EFKRVLDNIK[Ala930Thr]VFPCPSEPAL

ClinVar aggregate classification (germline): Uncertain significance. Review status: criteria provided, multiple submitters, no conflicts (2 of 4 stars). 2 submissions from 2 submitters: Uncertain significance (2). Last evaluated 2025-04-01.

Conditions:
Inborn genetic diseases. Identifiers: MedGen C0950123, MeSH D030342.

gnomAD v4.1: 2 of 1,591,356 alleles (0.00013%); highest among the groups gnomAD compares: Non-Finnish European, 0.00017%; no homozygotes.

Submissions (2):

GeneDx
Classification: Uncertain significance. Last evaluated: 2025-04-01. Review status: criteria provided, single submitter. Criteria: GeneDx Variant Classification Process June 2021. Collection method: clinical testing. Allele origin: germline. Affected: yes.
Comment: Not observed at significant frequency in large population cohorts (gnomAD); In silico analysis indicates that this missense variant does not alter protein structure/function; Has not been previously published as pathogenic or benign to our knowledge

Ambry Genetics
Classification: Uncertain significance for Inborn genetic diseases. Last evaluated: 2024-05-31. Review status: criteria provided, single submitter. Criteria: Ambry Variant Classification Scheme 2023. Collection method: clinical testing. Allele origin: germline.